The following is an entry in ClinVar:

ClinVar aggregate classification (germline): Conflicting classifications of pathogenicity. Review status: no assertion criteria provided (0 of 4 stars). 2 submissions from 2 submitters: Pathogenic (1); Benign (1). Last evaluated 2023-03-16.

Conditions:
Spermatogenic failure, X-linked, 5 (SPGFX5). Identifiers: MedGen C5829558, MONDO:0859477, OMIM 301099.
SSX1-related disorder. Also called: SSX1-related condition.

Allele frequency attached by ClinVar (database versions not stated): 1000 Genomes Project 30x 0.00146.

Submissions (2):

OMIM
Classification: Pathogenic for SPERMATOGENIC FAILURE, X-LINKED, 5. Last evaluated: 2023-03-16. Review status: no assertion criteria provided. Collection method: literature only. Allele origin: germline.

PreventionGenetics, part of Exact Sciences
Classification: Benign for SSX1-related condition. Last evaluated: 2020-07-27. Review status: no assertion criteria provided. Collection method: clinical testing. Allele origin: germline.
Comment: This variant is classified as benign based on ACMG/AMP sequence variant interpretation guidelines (Richards et al. 2015 PMID: 25741868, with internal and published modifications).

Literature cited by the submitters: PubMed 36796361 (cited by OMIM).

NM_005635.4(SSX1):c.*4+1G>A

Gene: SSX1 (SSX family member 1; plus strand). Cytogenetic location: Xp11.23.
Variant type: single nucleotide variant.
Coding change: c.*4+1G>A on transcript NM_005635.4 (MANE Select); the canonical splice donor site of the intron after 4 bases downstream of the stop codon, G replaced by A.
Molecular consequence: splice donor variant.
Genome position (GRCh38, 1-based): chrX:48,266,392, G>A. VCF-style: chrX-48266392-G-A. GRCh37 (hg19) VCF-style: chrX-48125827-G-A.
Other names: IVS6, G-A, +1; c.*4+1G>A (NM_001278691.2).
Identifiers: ClinVar variation 2444465 (VCV002444465.3), dbSNP rs191372051, ClinGen allele CA10401503.
Genomic context (GRCh38, chrX:48,266,392, plus strand): 5'-GAAAGCAGCTGGTGATTTATGAAGAGATCAGTGACCCTGAGGAAGATGACGAGTAACTCC[G>A]TAAGTGAACCTTCGGCTCACCCTCCACATCCCTGCAGATGTGCTATTCTGTTATGGTACT-3'